The following is an entry in ClinVar:

ClinVar aggregate classification (germline): Conflicting classifications of pathogenicity. Review status: criteria provided, conflicting classifications (1 of 4 stars). 9 submissions from 9 submitters: Likely pathogenic (3); Uncertain significance (5). 1 of the submissions does not count toward it. Last evaluated 2025-12-15.

Conditions:
Spastic paraplegia. Identifiers: MedGen C0037772, HP:0001258.
Charlevoix-Saguenay spastic ataxia (SACS). Also called: Spastic ataxia of Charlevoix-Saguenay; AUTOSOMAL RECESSIVE SPASTIC ATAXIA OF CHARLEVOIX-SAGUENAY; SPASTIC ATAXIA 6, AUTOSOMAL RECESSIVE. Identifiers: Orphanet 98, MedGen C1849140, MONDO:0010041, OMIM 270550.

Allele frequency attached by ClinVar (database versions not stated): gnomAD 0.00001; TOPMed 0.00001.
gnomAD v4.1: 10 of 1,613,354 alleles (0.00062%); highest among the groups gnomAD compares: African/African-American, 0.0013%; no homozygotes.

Submissions (9):

3billion
Classification: Uncertain significance for Charlevoix-Saguenay spastic ataxia. Last evaluated: 2025-12-15. Review status: criteria provided, single submitter. Criteria: ACMG Guidelines, 2015. Collection method: clinical testing. Allele origin: germline. Affected: yes.
Comment: The variant is observed at an extremely low frequency in the gnomAD v4.1.0 dataset (total allele frequency: <0.001%). Predicted Consequence/Location: Missense variant. The majority of the known disease-causing variants of this gene are variants expected to result in premature termination of the protein. In silico tool predictions suggest damaging effect of the variant on gene or gene product [REVEL: 0.88 (>=0.6, sensitivity 0.68 and specificity 0.92)]. The same nucleotide change resulting in the same amino acid change has been previously reported to be associated with SACS-related disorder (ClinVar ID: VCV000450379). However, the evidence of pathogenicity is insufficient at this time. Therefore, this variant is classified as VUS according to the recommendation of ACMG/AMP guideline.

Labcorp Genetics (formerly Invitae), Labcorp
Classification: Likely pathogenic for Spastic paraplegia. Last evaluated: 2025-07-02. Review status: criteria provided, single submitter. Criteria: Invitae Variant Classification Sherloc (09022015). Collection method: clinical testing. Allele origin: germline.
Comment: This sequence change replaces serine, which is neutral and polar, with isoleucine, which is neutral and non-polar, at codon 208 of the SACS protein (p.Ser208Ile). This variant is not present in population databases (gnomAD no frequency). This missense change has been observed in individual(s) with clinical features of hereditary spastic paraplegia (internal data). In at least one individual the data is consistent with being in trans (on the opposite chromosome) from a pathogenic variant. ClinVar contains an entry for this variant (Variation ID: 450379). Invitae Evidence Modeling of protein sequence and biophysical properties (such as structural, functional, and spatial information, amino acid conservation, physicochemical variation, residue mobility, and thermodynamic stability) has been performed for this missense variant. However, the output from this modeling did not meet the statistical confidence thresholds required to predict the impact of this variant on SACS protein function. In summary, the currently available evidence indicates that the variant is pathogenic, but additional data are needed to prove that conclusively. Therefore, this variant has been classified as Likely Pathogenic.

GeneDx
Classification: Likely pathogenic. Last evaluated: 2024-11-30. Review status: criteria provided, single submitter. Criteria: GeneDx Variant Classification Process June 2021. Collection method: clinical testing. Allele origin: germline. Affected: yes.
Comment: Not observed at significant frequency in large population cohorts (gnomAD); In silico analysis supports that this missense variant has a deleterious effect on protein structure/function; Has not been previously published as pathogenic or benign to our knowledge

Blueprint Genetics
Classification: Uncertain significance. Last evaluated: 2024-09-20. Review status: criteria provided, single submitter. Criteria: ACMG Guidelines, 2015. Collection method: clinical testing. Allele origin: germline.

Athena Diagnostics
Classification: Uncertain significance. Last evaluated: 2024-06-26. Review status: criteria provided, single submitter. Criteria: Athena Diagnostics Criteria. Collection method: clinical testing. Allele origin: unknown.
Comment: Available data are insufficient to determine the clinical significance of the variant at this time. The frequency of this variant in the general population is uninformative in assessment of its pathogenicity. This variant has been identified in at least one individual with clinical features associated with this gene. Polyphen and MutationTaster predict this amino acid change may be damaging to the protein.

Women's Health and Genetics/Laboratory Corporation of America, LabCorp
Classification: Uncertain significance. Last evaluated: 2023-07-28. Review status: criteria provided, single submitter. Criteria: LabCorp Variant Classification Summary - May 2015. Collection method: clinical testing. Allele origin: germline.
Comment: Variant summary: SACS c.623G>T (p.Ser208Ile) results in a non-conservative amino acid change in the encoded protein sequence. Five of five in-silico tools predict a damaging effect of the variant on protein function. The variant was absent in 248756 control chromosomes. The available data on variant occurrences in the general population are insufficient to allow any conclusion about variant significance. To our knowledge, no occurrence of c.623G>T in individuals affected with Autosomal Recessive Spastic Ataxia Of Charlevoix-Saguenay and no experimental evidence demonstrating its impact on protein function have been reported. Four submitters have cited clinical-significance assessments for this variant to ClinVar after 2014; two submitters classified the variant as a variant of uncertain significance and two classified it as likely pathogenic. Based on the evidence outlined above, the variant was classified as uncertain significance.

PROSPAX: an integrated multimodal progression  chart in spastic ataxias, Center for Neurology; Hertie-Institute for Clinical Brain Research
Classification: Likely pathogenic for Charlevoix-Saguenay spastic ataxia. Last evaluated: 2022-01-01. Review status: criteria provided, single submitter. Criteria: ACMG Guidelines, 2015. Collection method: research. Allele origin: germline. Affected: yes. Observed: 1 variant allele, 1 homozygote.

Genome-Nilou Lab
Classification: Uncertain significance for Charlevoix-Saguenay spastic ataxia. Last evaluated: 2021-09-05. Review status: criteria provided, single submitter. Criteria: ACMG Guidelines, 2015. Collection method: clinical testing. Allele origin: germline. Affected: no.

Counsyl
Classification: Uncertain significance for Charlevoix-Saguenay spastic ataxia. Last evaluated: 2018-05-30. Review status: no assertion criteria provided. Collection method: clinical testing. Allele origin: unknown. Not counted in ClinVar's aggregate classification.

NM_014363.6(SACS):c.623G>T (p.Ser208Ile)

Gene: SACS (sacsin molecular chaperone; minus strand). Cytogenetic location: 13q12.12.
Variant type: single nucleotide variant.
Coding change: c.623G>T on transcript NM_014363.6 (MANE Select); coding-DNA position 623, G replaced by T.
Protein change: p.Ser208Ile; replaces serine 208 with isoleucine.
Molecular consequence: missense variant.
Genome position (GRCh38, 1-based): chr13:23,355,989, C>A on the plus strand (G>T on the coding strand, the complement: SACS is on the minus strand). VCF-style: chr13-23355989-C-A. GRCh37 (hg19) VCF-style: chr13-23930128-C-A.
Other names: c.182G>T, p.Ser61Ile (NM_001278055.2); short protein forms S208I, S61I.
Identifiers: ClinVar variation 450379 (VCV000450379.21), dbSNP rs911764681, ClinGen allele CA246678645.